The following is an entry in ClinVar:

ClinVar aggregate classification (germline): Benign/Likely benign. Review status: criteria provided, multiple submitters, no conflicts (2 of 4 stars). 4 submissions from 4 submitters: Benign (3); Likely benign (1). Last evaluated 2026-09-01.

Conditions:
Alacrima, achalasia, and impaired intellectual development syndrome. Also called: Alacrima, achalasia, and mental retardation syndrome; Alacrima, achalasia, and intellectual disability syndrome. Identifiers: Orphanet 869, MedGen C4706563, MONDO:0014219, OMIM 615510.

Allele frequency attached by ClinVar (database versions not stated): 1000 Genomes Project 30x 0.00187; TOPMed 0.00572; ESP Exome Variant Server 0.00646; 1000 Genomes Project 0.00200; gnomAD 0.00726 and 0.00702.
gnomAD v4.1: 14,311 of 1,613,690 alleles (0.89%); highest among the groups gnomAD compares: Non-Finnish European, 0.98%; 86 homozygotes.

Submissions (4):

CeGaT Center for Human Genetics Tuebingen
Classification: Likely benign. Last evaluated: 2026-09-01. Review status: criteria provided, single submitter. Criteria: CeGaT Center For Human Genetics Tuebingen Variant Classification Criteria Version 2. Collection method: clinical testing. Allele origin: germline. Affected: yes. Observed: 9 variant alleles.
Comment: GMPPA: BP4, BP7, BS2

Labcorp Genetics (formerly Invitae), Labcorp
Classification: Benign for Alacrima, achalasia, and impaired intellectual development syndrome. Last evaluated: 2026-02-01. Review status: criteria provided, single submitter. Criteria: Invitae Variant Classification Sherloc (09022015). Collection method: clinical testing. Allele origin: germline.

GeneDx
Classification: Benign. Last evaluated: 2016-11-28. Review status: criteria provided, single submitter. Criteria: GeneDx Variant Classification (06012015). Collection method: clinical testing. Allele origin: germline. Affected: yes.
Comment: This variant is considered likely benign or benign based on one or more of the following criteria: it is a conservative change, it occurs at a poorly conserved position in the protein, it is predicted to be benign by multiple in silico algorithms, and/or has population frequency not consistent with disease.

Breakthrough Genomics
Classification: Benign. Review status: criteria provided, single submitter. Criteria: ACMG Guidelines, 2015. Collection method: not provided. Allele origin: germline. Inheritance: Autosomal recessive inheritance. Affected: yes.

NM_013335.4(GMPPA):c.441G>A (p.Thr147=)

Genes: ASIC4-AS1 (ASIC4 antisense RNA 1; minus strand), GMPPA (GDP-mannose pyrophosphorylase A; plus strand). Cytogenetic location: 2q35.
Variant type: single nucleotide variant.
Coding change: c.441G>A on transcript NM_013335.4 (MANE Select); coding-DNA position 441, G replaced by A.
Protein change: p.Thr147=; no amino-acid change (threonine 147 retained).
Molecular consequence: synonymous variant.
Genome position (GRCh38, 1-based): chr2:219,502,393, G>A. VCF-style: chr2-219502393-G-A. GRCh37 (hg19) VCF-style: chr2-220367115-G-A.
Other names: c.441G>A, p.Thr147= (NM_205847.3).
Identifiers: ClinVar variation 380455 (VCV000380455.37), dbSNP rs150386940, ClinGen allele CA2128168.